The following is an entry in ClinVar:

NM_000089.4(COL1A2):c.1865G>T (p.Gly622Val)

Gene: COL1A2 (collagen type I alpha 2 chain; plus strand). Cytogenetic location: 7q21.3.
Variant type: single nucleotide variant.
Coding change: c.1865G>T on transcript NM_000089.4 (MANE Select); coding-DNA position 1865, G replaced by T.
Protein change: p.Gly622Val; replaces glycine 622 with valine.
Molecular consequence: missense variant.
Genome position (GRCh38, 1-based): chr7:94,417,725, G>T. VCF-style: chr7-94417725-G-T. GRCh37 (hg19) VCF-style: chr7-94047037-G-T.
Other names: short protein forms G622V.
Identifiers: ClinVar variation 1691224 (VCV001691224.2), dbSNP rs2115921279, ClinGen allele CA368222772.

ClinVar aggregate classification (germline): Likely pathogenic. Review status: criteria provided, single submitter (1 of 4 stars). 2 submissions from 2 submitters: Likely pathogenic (1). 1 of the submissions does not count toward it. Last evaluated 2022-12-11.

Conditions:
Osteogenesis imperfecta, perinatal lethal (OI2). Also called: Osteogenesis imperfecta type 2; OSTEOGENESIS IMPERFECTA, TYPE II; OI, TYPE II; OSTEOGENESIS IMPERFECTA CONGENITA; VROLIK TYPE OF OSTEOGENESIS IMPERFECTA; Osteogenesis imperfecta, dominant perinatal lethal. Identifiers: Orphanet 216804, MedGen C0268358, MONDO:0008147, OMIM 166210.
COL1A2-related disorder. Also called: COL1A2-related condition; COL1A2-Related Disorders.

Submissions (2):

PreventionGenetics, part of Exact Sciences
Classification: Likely pathogenic for COL1A2-related condition. Last evaluated: 2022-12-11. Review status: criteria provided, single submitter. Criteria: ACMG Guidelines, 2015. Collection method: clinical testing. Allele origin: germline.
Comment: The COL1A2 c.1865G>T variant is predicted to result in the amino acid substitution p.Gly622Val. To our knowledge, this variant has not been reported in the literature or in a large population database, indicating this variant is rare. The p.Gly622 residue is located in the conserved Gly-Xaa-Yaa triple helical domain where substitutions of glycine are usually pathogenic (Marini et al. 2007. PubMed ID: 17078022). Taken together, we interpret this variant as likely pathogenic.

Cytogénomique, Hospices Civils de Lyon
Classification: Likely pathogenic for Osteogenesis imperfecta, perinatal lethal. Review status: no assertion criteria provided. Collection method: clinical testing. Allele origin: de novo. Inheritance: Autosomal dominant inheritance. Affected: yes. Not counted in ClinVar's aggregate classification.